The following is an entry in ClinVar:

NM_001040142.2(SCN2A):c.5878C>T (p.Pro1960Ser)

Gene: SCN2A (sodium voltage-gated channel alpha subunit 2; plus strand). Cytogenetic location: 2q24.3.
Variant type: single nucleotide variant.
Coding change: c.5878C>T on transcript NM_001040142.2 (MANE Select); coding-DNA position 5878, C replaced by T.
Protein change: p.Pro1960Ser; replaces proline 1960 with serine.
Molecular consequence: missense variant.
Genome position (GRCh38, 1-based): chr2:165,389,684, C>T. VCF-style: chr2-165389684-C-T. GRCh37 (hg19) VCF-style: chr2-166246194-C-T.
Other names: c.5878C>T, p.Pro1960Ser (NM_001040143.2, NM_001371246.1, NM_001371247.1 and 1 more transcripts); short protein forms P1960S.
Identifiers: ClinVar variation 2105516 (VCV002105516.4), dbSNP rs2105404163, ClinGen allele CA349040741.
Genomic context (GRCh38, chr2:165,389,684, plus strand): 5'-TGTGATGGAACACCCATCAAAGAAGATACTCTCATTGATAAACTGAATGAGAATTCAACT[C>T]CAGAGAAAACCGATATGACGCCTTCCACCACGTCTCCACCCTCGTATGATAGTGTGACCA-3'
Protein context (NP_001035232.1, residues 1950-1970): LIDKLNENST[Pro1960Ser]EKTDMTPSTT

ClinVar aggregate classification (germline): Uncertain significance (1 of 4 stars; one submission).

Conditions:
Seizures, benign familial infantile, 3 (BFIS3). Also called: CONVULSIONS, BENIGN FAMILIAL INFANTILE, 3; Familial neonatal seizures. Identifiers: Orphanet 140927, Orphanet 306, MedGen C1843140, MONDO:0011904, OMIM 607745.
Developmental and epileptic encephalopathy, 11 (DEE11). Also called: Early infantile epileptic encephalopathy 11. Identifiers: Orphanet 1934, MedGen C3150987, MONDO:0013388, OMIM 613721.

Submission:

Labcorp Genetics (formerly Invitae), Labcorp
Classification: Uncertain significance for Seizures, benign familial infantile, 3; Developmental and epileptic encephalopathy, 11. Last evaluated: 2022-04-20. Review status: criteria provided, single submitter. Criteria: Invitae Variant Classification Sherloc (09022015). Collection method: clinical testing. Allele origin: germline.
Comment: This variant has not been reported in the literature in individuals affected with SCN2A-related conditions. This variant is not present in population databases (gnomAD no frequency). This sequence change replaces proline, which is neutral and non-polar, with serine, which is neutral and polar, at codon 1960 of the SCN2A protein (p.Pro1960Ser). Algorithms developed to predict the effect of missense changes on protein structure and function are either unavailable or do not agree on the potential impact of this missense change (SIFT: "Deleterious"; PolyPhen-2: "Benign"; Align-GVGD: "Class C65"). In summary, the available evidence is currently insufficient to determine the role of this variant in disease. Therefore, it has been classified as a Variant of Uncertain Significance.